The following is an entry in ClinVar:

ClinVar aggregate classification (germline): Uncertain significance (1 of 4 stars; one submission).

Conditions:
Congenital muscular hypertrophy-cerebral syndrome (CDLS2). Also called: Cornelia de Lange syndrome 2; SMC1A-Related Cornelia de Lange Syndrome. Identifiers: Orphanet 199, MedGen C1802395, MONDO:0010370, OMIM 300590.

Submission:

Labcorp Genetics (formerly Invitae), Labcorp
Classification: Uncertain significance for Congenital muscular hypertrophy-cerebral syndrome. Last evaluated: 2024-02-12. Review status: criteria provided, single submitter. Criteria: Invitae Variant Classification Sherloc (09022015). Collection method: clinical testing. Allele origin: germline.
Comment: This sequence change replaces arginine, which is basic and polar, with histidine, which is basic and polar, at codon 926 of the SMC1A protein (p.Arg926His). This variant is not present in population databases (gnomAD no frequency). This variant has not been reported in the literature in individuals affected with SMC1A-related conditions. Advanced modeling of protein sequence and biophysical properties (such as structural, functional, and spatial information, amino acid conservation, physicochemical variation, residue mobility, and thermodynamic stability) has been performed at Invitae for this missense variant, however the output from this modeling did not meet the statistical confidence thresholds required to predict the impact of this variant on SMC1A protein function. In summary, the available evidence is currently insufficient to determine the role of this variant in disease. Therefore, it has been classified as a Variant of Uncertain Significance.

NM_006306.4(SMC1A):c.2777G>A (p.Arg926His)

Gene: SMC1A (structural maintenance of chromosomes 1A; minus strand). Cytogenetic location: Xp11.22.
Variant type: single nucleotide variant.
Coding change: c.2777G>A on transcript NM_006306.4 (MANE Select); coding-DNA position 2777, G replaced by A.
Protein change: p.Arg926His; replaces arginine 926 with histidine.
Molecular consequence: missense variant.
Genome position (GRCh38, 1-based): chrX:53,396,312, C>T on the plus strand (G>A on the coding strand, the complement: SMC1A is on the minus strand). VCF-style: chrX-53396312-C-T. GRCh37 (hg19) VCF-style: chrX-53423232-C-T.
Other names: c.2711G>A, p.Arg904His (NM_001281463.1); short protein forms R904H, R926H.
Identifiers: ClinVar variation 2701259 (VCV002701259.3), dbSNP rs2520891351, ClinGen allele CA413248106.